The following is an entry in ClinVar:

ClinVar aggregate classification (germline): Uncertain significance. Review status: criteria provided, multiple submitters, no conflicts (2 of 4 stars). 3 submissions from 3 submitters: Uncertain significance (3). Last evaluated 2024-12-26.

Conditions:
Dyskeratosis congenita. Identifiers: Orphanet 1775, MedGen C0265965, MONDO:0015780.
Inborn genetic diseases. Identifiers: MedGen C0950123, MeSH D030342.

Allele frequency attached by ClinVar (database versions not stated): gnomAD 0.00001 and 0.00002; TOPMed 0.00003; 1000 Genomes Project 30x 0.00016; 1000 Genomes Project 0.00020.
gnomAD v4.1: 16 of 1,614,118 alleles (0.00099%); highest among the groups gnomAD compares: African/African-American, 0.004%; no homozygotes.

Submissions (3):

Labcorp Genetics (formerly Invitae), Labcorp
Classification: Uncertain significance for Dyskeratosis congenita. Last evaluated: 2024-12-26. Review status: criteria provided, single submitter. Criteria: Invitae Variant Classification Sherloc (09022015). Collection method: clinical testing. Allele origin: germline.
Comment: This sequence change replaces valine, which is neutral and non-polar, with isoleucine, which is neutral and non-polar, at codon 429 of the CTC1 protein (p.Val429Ile). This variant is present in population databases (rs191350236, gnomAD 0.006%). This variant has not been reported in the literature in individuals affected with CTC1-related conditions. ClinVar contains an entry for this variant (Variation ID: 845311). Invitae Evidence Modeling of protein sequence and biophysical properties (such as structural, functional, and spatial information, amino acid conservation, physicochemical variation, residue mobility, and thermodynamic stability) indicates that this missense variant is not expected to disrupt CTC1 protein function with a negative predictive value of 80%. In summary, the available evidence is currently insufficient to determine the role of this variant in disease. Therefore, it has been classified as a Variant of Uncertain Significance.

Sema4
Classification: Uncertain significance for Dyskeratosis congenita. Last evaluated: 2021-12-17. Review status: criteria provided, single submitter. Criteria: Sema4 Curation Guidelines. Collection method: curation. Allele origin: germline.
Comment: The CTC1 c.1285G>A (p.V429I) variant has not been reported in the literature to our knowledge. This variant was observed in 1/17962 chromosomes in the East Asian population according to the Genome Aggregation Database (PMID: 32461654). This variant has been reported in ClinVar (Variation ID 845311). In silico tools suggest the impact of the variant on protein function is benign, though these predictions have not been confirmed by functional studies. The overall evidence is insufficient to meet ACMG/AMP criteria for classifying it as benign or pathogenic. In summary, the clinical significance of this variant is currently uncertain.

Ambry Genetics
Classification: Uncertain significance for Inborn genetic diseases. Last evaluated: 2021-12-16. Review status: criteria provided, single submitter. Criteria: Ambry Variant Classification Scheme 2023. Collection method: clinical testing. Allele origin: germline.

NM_025099.6(CTC1):c.1285G>A (p.Val429Ile)

Gene: CTC1 (CST telomere replication complex component 1; minus strand). Cytogenetic location: 17p13.1.
Variant type: single nucleotide variant.
Coding change: c.1285G>A on transcript NM_025099.6 (MANE Select); coding-DNA position 1285, G replaced by A.
Protein change: p.Val429Ile; replaces valine 429 with isoleucine.
Molecular consequence: missense variant. On other transcripts: non-coding transcript variant (1).
Genome position (GRCh38, 1-based): chr17:8,235,207, C>T on the plus strand (G>A on the coding strand, the complement: CTC1 is on the minus strand). VCF-style: chr17-8235207-C-T. GRCh37 (hg19) VCF-style: chr17-8138525-C-T.
Other names: short protein forms V429I.
Identifiers: ClinVar variation 845311 (VCV000845311.10), dbSNP rs191350236, ClinGen allele CA8372396.
Genomic context (GRCh38, chr17:8,235,207, plus strand): 5'-CGTAGGCTTGACGGGATGAGTGAGCCCCAGGCTTCTGACGAGAGAAGCTTTGAAGCAGAA[C>T]GGCGCCACGGAGGCAGGGGGCGAGCACTGGCCTTCTTGTCCCCCCTCCCACTGACTGGAG-3'
Protein context (NP_079375.3, residues 419-439): PVLAPCLRGA[Val429Ile]LLQSFSRQKP